The following is an entry in ClinVar:

NM_001297.5(CNGB1):c.1526G>T (p.Gly509Val)

Gene: CNGB1 (cyclic nucleotide gated channel subunit beta 1; minus strand). Cytogenetic location: 16q21.
Variant type: single nucleotide variant.
Coding change: c.1526G>T on transcript NM_001297.5 (MANE Select); coding-DNA position 1526, G replaced by T.
Protein change: p.Gly509Val; replaces glycine 509 with valine.
Molecular consequence: missense variant.
Genome position (GRCh38, 1-based): chr16:57,931,725, C>A on the plus strand (G>T on the coding strand, the complement: CNGB1 is on the minus strand). VCF-style: chr16-57931725-C-A. GRCh37 (hg19) VCF-style: chr16-57965629-C-A.
Other names: c.1508G>T, p.Gly503Val (NM_001286130.2); short protein forms G503V, G509V.
Identifiers: ClinVar variation 2057143 (VCV002057143.4), dbSNP rs756544054, ClinGen allele CA8083409.

ClinVar aggregate classification (germline): Uncertain significance (1 of 4 stars; one submission).

Allele frequency attached by ClinVar (database versions not stated): ExAC 0.00001.
gnomAD v4.1: 2 of 1,614,072 alleles (0.00012%); highest among the groups gnomAD compares: Non-Finnish European, 0.00017%; no homozygotes.

Submission:

Labcorp Genetics (formerly Invitae), Labcorp
Classification: Uncertain significance. Last evaluated: 2021-12-24. Review status: criteria provided, single submitter. Criteria: Invitae Variant Classification Sherloc (09022015). Collection method: clinical testing. Allele origin: germline.
Comment: Advanced modeling of protein sequence and biophysical properties (such as structural, functional, and spatial information, amino acid conservation, physicochemical variation, residue mobility, and thermodynamic stability) performed at Invitae indicates that this missense variant is not expected to disrupt CNGB1 protein function. In summary, the available evidence is currently insufficient to determine the role of this variant in disease. Therefore, it has been classified as a Variant of Uncertain Significance. Algorithms developed to predict the effect of sequence changes on RNA splicing suggest that this variant may create or strengthen a splice site. This variant has not been reported in the literature in individuals affected with CNGB1-related conditions. This variant is present in population databases (rs756544054, gnomAD 0.0009%). This sequence change replaces glycine, which is neutral and non-polar, with valine, which is neutral and non-polar, at codon 509 of the CNGB1 protein (p.Gly509Val).